The following is an entry in ClinVar:

NM_014585.6(SLC40A1):c.877C>T (p.Arg293Cys)

Gene: SLC40A1 (solute carrier family 40 member 1; minus strand). Cytogenetic location: 2q32.2.
Variant type: single nucleotide variant.
Coding change: c.877C>T on transcript NM_014585.6 (MANE Select); coding-DNA position 877, C replaced by T.
Protein change: p.Arg293Cys; replaces arginine 293 with cysteine.
Molecular consequence: missense variant.
Genome position (GRCh38, 1-based): chr2:189,564,109, G>A on the plus strand (C>T on the coding strand, the complement: SLC40A1 is on the minus strand). VCF-style: chr2-189564109-G-A. GRCh37 (hg19) VCF-style: chr2-190428835-G-A.
Other names: c.877C>T (NM_014585.5); short protein forms R293C.
Identifiers: ClinVar variation 1110450 (VCV001110450.11), dbSNP rs149517113, ClinGen allele CA2024136.
Genomic context (GRCh38, chr2:189,564,109, plus strand): 5'-CCATGCCAGCCAGAAACACAGGCTGGTTGTAGTAGGAGACCCATCCATCTCGGAAGGTAC[G>A]GAAGGGCTCAGCCATCTGGGAGGCACAAGTAGGCTCTTGCTCATGTTCAAGCTCATGGAT-3'
Protein context (NP_055400.1, residues 283-303): TCASQMAEPF[Arg293Cys]TFRDGWVSYY

ClinVar aggregate classification (germline): Conflicting classifications of pathogenicity. Review status: criteria provided, conflicting classifications (1 of 4 stars). 3 submissions from 3 submitters: Uncertain significance (1); Likely benign (2). Last evaluated 2026-01-26.

Conditions:
Inborn genetic diseases. Identifiers: MedGen C0950123, MeSH D030342.
SLC40A1-related disorder. Also called: SLC40A1-related condition.
Hemochromatosis type 4 (HFE4). Also called: HEMOCHROMATOSIS DUE TO DEFECT IN FERROPORTIN; HEMOCHROMATOSIS, AUTOSOMAL DOMINANT; Ferroportin disease. Identifiers: Orphanet 139491, Orphanet 647834, Orphanet 648562, MedGen C1853733, MONDO:0011631, OMIM 606069.

Allele frequency attached by ClinVar (database versions not stated): ExAC 0.00012; 1000 Genomes Project 30x 0.00016; 1000 Genomes Project 0.00020; gnomAD 0.00028 and 0.00030; ESP Exome Variant Server 0.00031; TOPMed 0.00032.
gnomAD v4.1: 112 of 1,611,602 alleles (0.0069%); highest among the groups gnomAD compares: African/African-American, 0.096%; no homozygotes.

Submissions (3):

PreventionGenetics, part of Exact Sciences
Classification: Likely benign for SLC40A1-related condition. Last evaluated: 2026-01-26. Review status: criteria provided, single submitter. Criteria: ACMG Guidelines, 2015. Collection method: clinical testing. Allele origin: germline.
Comment: This variant is classified as likely benign based on ACMG/AMP sequence variant interpretation guidelines (Richards et al. 2015 PMID: 25741868, with internal and published modifications).

Labcorp Genetics (formerly Invitae), Labcorp
Classification: Likely benign for Hemochromatosis type 4. Last evaluated: 2025-11-22. Review status: criteria provided, single submitter. Criteria: Invitae Variant Classification Sherloc (09022015). Collection method: clinical testing. Allele origin: germline.

Ambry Genetics
Classification: Uncertain significance for Inborn genetic diseases. Last evaluated: 2023-02-10. Review status: criteria provided, single submitter. Criteria: Ambry Variant Classification Scheme 2023. Collection method: clinical testing. Allele origin: germline.